The following is an entry in ClinVar:

ClinVar aggregate classification (germline): Uncertain significance (1 of 4 stars; one submission).

Submission:

GeneDx
Classification: Uncertain significance. Last evaluated: 2023-05-07. Review status: criteria provided, single submitter. Criteria: GeneDx Variant Classification Process June 2021. Collection method: clinical testing. Allele origin: germline. Affected: yes.
Comment: Not observed at significant frequency in large population cohorts (gnomAD); In silico analysis supports that this missense variant does not alter protein structure/function; Has not been previously published as pathogenic or benign to our knowledge

NM_024757.5(EHMT1):c.1071G>T (p.Glu357Asp)

Gene: EHMT1 (euchromatic histone lysine methyltransferase 1; plus strand). Cytogenetic location: 9q34.3.
Variant type: single nucleotide variant.
Coding change: c.1071G>T on transcript NM_024757.5 (MANE Select); coding-DNA position 1071, G replaced by T.
Protein change: p.Glu357Asp; replaces glutamic acid 357 with aspartic acid.
Molecular consequence: missense variant.
Genome position (GRCh38, 1-based): chr9:137,743,991, G>T. VCF-style: chr9-137743991-G-T. GRCh37 (hg19) VCF-style: chr9-140638443-G-T.
Other names: c.1071G>T, p.Glu357Asp (NM_001145527.2, NM_001354611.2); c.978G>T, p.Glu326Asp (NM_001354259.2, NM_001354612.2); c.1050G>T, p.Glu350Asp (NM_001354263.2); short protein forms E326D, E350D, E357D.
Identifiers: ClinVar variation 2662323 (VCV002662323.1), dbSNP rs2541617894, ClinGen allele CA375779462.
Genomic context (GRCh38, chr9:137,743,991, plus strand): 5'-GCACGTGAATGGGGAGAGCCTGGAGATGGACTCGGATGAGGACGACTCAGAGGAGCTCGA[G>T]GAGGACGACGGCCATGGTGCAGAGCAGGCGGCCGCGTTCCCCACAGAGGACAGCAGGACT-3'
Protein context (NP_079033.4, residues 347-367): DSDEDDSEEL[Glu357Asp]EDDGHGAEQA